The following is an entry in ClinVar:

ClinVar aggregate classification (germline): Conflicting classifications of pathogenicity. Review status: criteria provided, conflicting classifications (1 of 4 stars). 5 submissions from 5 submitters: Likely pathogenic (2); Uncertain significance (1). 2 of the submissions do not count toward it. Last evaluated 2025-04-15.

Conditions:
Mitochondrial DNA depletion syndrome 16A (MTDPS16A). Identifiers: MedGen CN300370.
Acute liver failure. Also called: Acute hepatic failure. Identifiers: Orphanet 90062, MedGen C0162557, MeSH D017114, MONDO:0019542, HP:0006554.
Progressive external ophthalmoplegia with mitochondrial DNA deletions, autosomal dominant 4. Also called: PROGRESSIVE EXTERNAL OPHTHALMOPLEGIA, AUTOSOMAL DOMINANT 4. Identifiers: MedGen C1864668, MONDO:0012415, OMIM 610131.

Allele frequency attached by ClinVar (database versions not stated): gnomAD 0.00001.
gnomAD v4.1: 6 of 1,581,626 alleles (0.00038%); highest among the groups gnomAD compares: Non-Finnish European, 0.00052%; no homozygotes.

Submissions (5):

Labcorp Genetics (formerly Invitae), Labcorp
Classification: Uncertain significance. Last evaluated: 2025-04-15. Review status: criteria provided, single submitter. Criteria: Invitae Variant Classification Sherloc (09022015). Collection method: clinical testing. Allele origin: germline.
Comment: This sequence change replaces arginine, which is basic and polar, with tryptophan, which is neutral and slightly polar, at codon 182 of the POLG2 protein (p.Arg182Trp). This variant is present in population databases (no rsID available, gnomAD 0.007%). This missense change has been observed in individual(s) with POLG2-related conditions (PMID: 27592148). ClinVar contains an entry for this variant (Variation ID: 252958). An algorithm developed to predict the effect of missense changes on protein structure and function (PolyPhen-2) suggests that this variant is likely to be disruptive. Experimental studies have shown that this missense change affects POLG2 function (PMID: 30157269). Algorithms developed to predict the effect of sequence changes on RNA splicing suggest that this variant may disrupt the consensus splice site. In summary, the available evidence is currently insufficient to determine the role of this variant in disease. Therefore, it has been classified as a Variant of Uncertain Significance.

GeneDx
Classification: Likely pathogenic. Last evaluated: 2016-08-02. Review status: criteria provided, single submitter. Criteria: GeneDx Variant Classification (06012015). Collection method: clinical testing. Allele origin: germline. Affected: yes.
Comment: The R182W variant in the POLG2 gene has been reported in the homozygous state in an individual with infantile fulminant liver failure and mitochondrial depletion in liver and muscle. This individual's heterozygous parents were reportedly unaffected (Varma et al., 2016). The R182W variant was not observed in approximately 6500 individuals of European and African American ancestry in the NHLBI Exome Sequencing Project, indicating it is not a common benign variant in these populations. The R182W variant is a non-conservative amino acid substitution, which is likely to impact secondary protein structure as these residues differ in polarity, charge, size and/or other properties. This substitution occurs at a position that is conserved across species and in silico analysis predicts this variant is probably damaging to the protein structure/function. Therefore, we interpret R182W as a likely pathogenic variant, however the possibility it may be a rare benign variant cannot be excluded.

Columbia University Laboratory of Personalized Genomic Medicine, Columbia University Medical Center
Classification: Likely pathogenic for Acute liver failure. Last evaluated: 2016-06-01. Review status: criteria provided, single submitter. Criteria: ACMG Guidelines, 2015. Collection method: clinical testing. Allele origin: germline, unknown. Inheritance: Autosomal recessive inheritance. Affected: yes and no. Observed: 3 variant alleles, 2 heterozygotes, 1 homozygote.
Comment: POLG2 encodes the accessory subunit of DNA polymerase and is involved in mtDNA replication.

Clinical Genetics Laboratory, University Hospital Schleswig-Holstein
Classification: Uncertain significance for Progressive external ophthalmoplegia with mitochondrial DNA deletions, autosomal dominant 4. Last evaluated: 2021-11-02. Review status: no assertion criteria provided. Collection method: clinical testing. Allele origin: germline. Affected: yes. Not counted in ClinVar's aggregate classification.

OMIM
Classification: Pathogenic for MITOCHONDRIAL DNA DEPLETION SYNDROME 16A (HEPATIC TYPE) (1 patient). Last evaluated: 2021-07-15. Review status: no assertion criteria provided. Collection method: literature only. Allele origin: germline. Not counted in ClinVar's aggregate classification.

Literature cited by the submitters: PubMed 27592148 (cited by 3 submitters); PubMed 30157269 (cited by Labcorp Genetics (formerly Invitae), Labcorp and OMIM).

NM_007215.4(POLG2):c.544C>T (p.Arg182Trp)

Genes: POLG2 (DNA polymerase gamma 2, accessory subunit; minus strand), MILR1 (mast cell immunoglobulin like receptor 1; plus strand). Cytogenetic location: 17q23.3.
Variant type: single nucleotide variant.
Coding change: c.544C>T on transcript NM_007215.4 (MANE Select); coding-DNA position 544, C replaced by T.
Protein change: p.Arg182Trp; replaces arginine 182 with tryptophan.
Molecular consequence: missense variant.
Genome position (GRCh38, 1-based): chr17:64,496,425, G>A on the plus strand (C>T on the coding strand, the complement: POLG2 is on the minus strand). VCF-style: chr17-64496425-G-A. GRCh37 (hg19) VCF-style: chr17-62492543-G-A.
Other names: short protein forms R182W.
Identifiers: ClinVar variation 252958 (VCV000252958.12), dbSNP rs886037843, ClinGen allele CA10586136.